The following is an entry in ClinVar:

ClinVar aggregate classification (germline): Uncertain significance (1 of 4 stars; one submission).

gnomAD v4.1: 1 of 1,613,368 alleles (0.000062%); no homozygotes.

Submission:

GeneDx
Classification: Uncertain significance. Last evaluated: 2025-03-15. Review status: criteria provided, single submitter. Criteria: GeneDx Variant Classification Process June 2021. Collection method: clinical testing. Allele origin: germline. Affected: yes.
Comment: Not observed at significant frequency in large population cohorts (gnomAD); In silico analysis indicates that this missense variant does not alter protein structure/function; Has not been previously published as pathogenic or benign to our knowledge

NM_015346.4(ZFYVE26):c.5377C>G (p.Pro1793Ala)

Gene: ZFYVE26 (zinc finger FYVE-type containing 26; minus strand). Cytogenetic location: 14q24.1.
Variant type: single nucleotide variant.
Coding change: c.5377C>G on transcript NM_015346.4 (MANE Select); coding-DNA position 5377, C replaced by G.
Protein change: p.Pro1793Ala; replaces proline 1793 with alanine.
Molecular consequence: missense variant.
Genome position (GRCh38, 1-based): chr14:67,772,154, G>C on the plus strand (C>G on the coding strand, the complement: ZFYVE26 is on the minus strand). VCF-style: chr14-67772154-G-C. GRCh37 (hg19) VCF-style: chr14-68238871-G-C.
Other names: short protein forms P1793A.
Identifiers: ClinVar variation 4086562 (VCV004086562.1).